The following is an entry in ClinVar:

ClinVar aggregate classification (germline): Uncertain significance (1 of 4 stars; one submission).

Conditions:
Cardiovascular phenotype. Identifiers: MedGen CN230736.

Allele frequency attached by ClinVar (database versions not stated): TOPMed below 0.00001; ExAC 0.00003.
gnomAD v4.1: 31 of 1,595,426 alleles (0.0019%); highest among the groups gnomAD compares: South Asian, 0.0022%; no homozygotes.

Submission:

Ambry Genetics
Classification: Uncertain significance for Cardiovascular phenotype. Last evaluated: 2021-12-23. Review status: criteria provided, single submitter. Criteria: Ambry Variant Classification Scheme 2023. Collection method: clinical testing. Allele origin: germline.
Comment: The p.R150H variant (also known as c.449G>A), located in coding exon 4 of the EPHB4 gene, results from a G to A substitution at nucleotide position 449. The arginine at codon 150 is replaced by histidine, an amino acid with highly similar properties. This amino acid position is conserved. In addition, this alteration is predicted to be tolerated by in silico analysis. Since supporting evidence is limited at this time, the clinical significance of this alteration remains unclear.

NM_004444.5(EPHB4):c.449G>A (p.Arg150His)

Gene: EPHB4 (EPH receptor B4; minus strand). Cytogenetic location: 7q22.1.
Variant type: single nucleotide variant.
Coding change: c.449G>A on transcript NM_004444.5 (MANE Select); coding-DNA position 449, G replaced by A.
Protein change: p.Arg150His; replaces arginine 150 with histidine.
Molecular consequence: missense variant.
Genome position (GRCh38, 1-based): chr7:100,822,630, C>T on the plus strand (G>A on the coding strand, the complement: EPHB4 is on the minus strand). VCF-style: chr7-100822630-C-T. GRCh37 (hg19) VCF-style: chr7-100420252-C-T.
Other names: short protein forms R150H.
Identifiers: ClinVar variation 1741020 (VCV001741020.2), dbSNP rs763269858, ClinGen allele CA4393278.
Genomic context (GRCh38, chr7:100,822,630, plus strand): 5'-CTGAGCGGTCCCAGACGCAGCGTCTTGACATTCACCTTCCCGGTGGCCTCGGCCCCAGGG[C>T]GCTTCCGGGTGAGATGCTCCGCGGCCACCGTGTCCACCTGCCGGCGGGGGGGAGGCACAC-3'
Protein context (NP_004435.3, residues 140-160): TVAAEHLTRK[Arg150His]PGAEATGKVN